The following is an entry in ClinVar:

ClinVar aggregate classification (germline): Uncertain significance. Review status: criteria provided, multiple submitters, no conflicts (2 of 4 stars). 4 submissions from 4 submitters: Uncertain significance (3). 1 of the submissions does not count toward it. Last evaluated 2025-05-08.
ClinVar aggregate classification (oncogenicity): Likely oncogenic (1 of 4 stars; one submission).

Conditions:
BAP1-related disorder. Also called: BAP1-related condition.
BAP1-related tumor predisposition syndrome (TPDS1). Also called: Tumor susceptibility linked to germline BAP1 mutations; BAP1 tumor predisposition syndrome; TUMOR PREDISPOSITION SYNDROME 1; COMMON Syndrome. Identifiers: Orphanet 289539, MedGen C3280492, MONDO:0013692, OMIM 614327.
Hereditary cancer-predisposing syndrome. Also called: Neoplastic Syndromes, Hereditary; Tumor predisposition; Hereditary neoplastic syndrome; Hereditary Cancer Syndrome. Identifiers: Orphanet 140162, MedGen C0027672, MeSH D009386, MONDO:0015356.
Neoplasm. Also called: Neoplasms; Neoplasm (disease); tumor. Identifiers: MedGen C0027651, MeSH D009369, MONDO:0005070, HP:0002664.

Submissions (5):

Ambry Genetics
Classification: Uncertain significance for Hereditary cancer-predisposing syndrome. Last evaluated: 2025-05-08. Review status: criteria provided, single submitter. Criteria: Ambry Variant Classification Scheme 2023. Collection method: clinical testing. Allele origin: germline.
Comment: The p.R59W variant (also known as c.175C>T), located in coding exon 4 of the BAP1 gene, results from a C to T substitution at nucleotide position 175. The arginine at codon 59 is replaced by tryptophan, an amino acid with dissimilar properties. This amino acid position is highly conserved in available vertebrate species. In addition, this alteration is predicted to be deleterious by in silico analysis. Since supporting evidence is limited at this time, the clinical significance of this alteration remains unclear.

Center for Genomic Medicine, Rigshospitalet, Copenhagen University Hospital
Classification: Likely oncogenic for Neoplasm. Last evaluated: 2025-03-04. Review status: criteria provided, single submitter. Criteria: ClinGen/CGC/VICC Guidelines for Oncogenicity, 2022. Collection method: clinical testing. Allele origin: somatic. Affected: yes.

Labcorp Genetics (formerly Invitae), Labcorp
Classification: Uncertain significance for BAP1-related tumor predisposition syndrome. Last evaluated: 2023-06-16. Review status: criteria provided, single submitter. Criteria: Invitae Variant Classification Sherloc (09022015). Collection method: clinical testing. Allele origin: germline.
Comment: This variant is not present in population databases (gnomAD no frequency). This sequence change replaces arginine, which is basic and polar, with tryptophan, which is neutral and slightly polar, at codon 59 of the BAP1 protein (p.Arg59Trp). This variant has not been reported in the literature in individuals affected with BAP1-related conditions. In summary, the available evidence is currently insufficient to determine the role of this variant in disease. Therefore, it has been classified as a Variant of Uncertain Significance. Advanced modeling of protein sequence and biophysical properties (such as structural, functional, and spatial information, amino acid conservation, physicochemical variation, residue mobility, and thermodynamic stability) performed at Invitae indicates that this missense variant is expected to disrupt BAP1 protein function. ClinVar contains an entry for this variant (Variation ID: 628343).

Color Diagnostics, LLC DBA Color Health
Classification: Uncertain significance for Hereditary cancer-predisposing syndrome. Last evaluated: 2019-06-26. Review status: criteria provided, single submitter. Criteria: ACMG Guidelines, 2015. Collection method: clinical testing. Allele origin: germline.

PreventionGenetics, part of Exact Sciences
Classification: Uncertain significance for BAP1-related condition. Last evaluated: 2024-01-16. Review status: no assertion criteria provided. Collection method: clinical testing. Allele origin: germline. Not counted in ClinVar's aggregate classification.
Comment: The BAP1 c.175C>T variant is predicted to result in the amino acid substitution p.Arg59Trp. To our knowledge, this variant has not been reported in the literature or in a large population database, indicating this variant is rare. At this time, the clinical significance of this variant is uncertain due to the absence of conclusive functional and genetic evidence.

Literature cited by the submitters: PubMed 37556531 (cited by Center for Genomic Medicine, Rigshospitalet, Copenhagen University Hospital).

NM_004656.4(BAP1):c.175C>T (p.Arg59Trp)

Gene: BAP1 (BRCA1 associated deubiquitinase 1; minus strand). Cytogenetic location: 3p21.1.
Variant type: single nucleotide variant.
Coding change: c.175C>T on transcript NM_004656.4 (MANE Select); coding-DNA position 175, C replaced by T.
Protein change: p.Arg59Trp; replaces arginine 59 with tryptophan.
Molecular consequence: missense variant.
Genome position (GRCh38, 1-based): chr3:52,408,554, G>A on the plus strand (C>T on the coding strand, the complement: BAP1 is on the minus strand). VCF-style: chr3-52408554-G-A. GRCh37 (hg19) VCF-style: chr3-52442570-G-A.
Other names: c.175C>T (NM_004656.2); short protein forms R59W.
Identifiers: ClinVar variation 628343 (VCV000628343.13), dbSNP rs1404823823, ClinGen allele CA353113470.